The following is an entry in ClinVar:

NM_024334.3(TMEM43):c.644A>C (p.His215Pro)

Gene: TMEM43 (transmembrane protein 43; plus strand). Cytogenetic location: 3p25.1.
Variant type: single nucleotide variant.
Coding change: c.644A>C on transcript NM_024334.3 (MANE Select); coding-DNA position 644, A replaced by C.
Protein change: p.His215Pro; replaces histidine 215 with proline.
Molecular consequence: missense variant.
Genome position (GRCh38, 1-based): chr3:14,134,830, A>C. VCF-style: chr3-14134830-A-C. GRCh37 (hg19) VCF-style: chr3-14176330-A-C.
Other names: short protein forms H215P.
Identifiers: ClinVar variation 180542 (VCV000180542.38), dbSNP rs730880225, ClinGen allele CA024729.

ClinVar aggregate classification (germline): Conflicting classifications of pathogenicity. Review status: criteria provided, conflicting classifications (1 of 4 stars). 12 submissions from 12 submitters: Uncertain significance (10); Likely benign (2). Last evaluated 2025-11-24.

Conditions:
TMEM43-related disorder. Also called: TMEM43-related condition.
Arrhythmogenic right ventricular dysplasia 5. Also called: Arrhythmogenic Right Ventricular Dysplasia/Cardiomyopathy 5; ARRHYTHMOGENIC RIGHT VENTRICULAR DYSPLASIA, FAMILIAL, 5. Identifiers: MedGen C1858379, MONDO:0011459, OMIM 604400.
Emery-Dreifuss muscular dystrophy 7, autosomal dominant (EDMD7). Also called: Emery-Dreifuss muscular dystrophy 7, AD. Identifiers: Orphanet 261, MedGen C3553060, MONDO:0013677, OMIM 614302.
Auditory neuropathy, autosomal dominant 3 (AUNA3). Identifiers: MedGen C5676964, MONDO:0859235, OMIM 619832.
Cardiovascular phenotype. Identifiers: MedGen CN230736.
Cardiomyopathy (CMYO). Also called: Cardiomyopathies. Identifiers: Orphanet 167848, MedGen C0878544, MONDO:0004994, HP:0001638. Inheritance: Various modes of inheritance.

Allele frequency attached by ClinVar (database versions not stated): TOPMed 0.00001; gnomAD 0.00002 and 0.00003.
gnomAD v4.1: 7 of 1,614,068 alleles (0.00043%); highest among the groups gnomAD compares: Admixed American, 0.005%; no homozygotes.

Submissions (12):

Women's Health and Genetics/Laboratory Corporation of America, LabCorp
Classification: Uncertain significance. Last evaluated: 2025-11-24. Review status: criteria provided, single submitter. Criteria: LabCorp Variant Classification Summary - May 2015. Collection method: clinical testing. Allele origin: germline.

Labcorp Genetics (formerly Invitae), Labcorp
Classification: Uncertain significance for Arrhythmogenic right ventricular dysplasia 5. Last evaluated: 2025-11-17. Review status: criteria provided, single submitter. Criteria: Invitae Variant Classification Sherloc (09022015). Collection method: clinical testing. Allele origin: germline.
Comment: This sequence change replaces histidine, which is basic and polar, with proline, which is neutral and non-polar, at codon 215 of the TMEM43 protein (p.His215Pro). This variant is not present in population databases (gnomAD no frequency). This variant has not been reported in the literature in individuals affected with TMEM43-related conditions. ClinVar contains an entry for this variant (Variation ID: 180542). Invitae Evidence Modeling of protein sequence and biophysical properties (such as structural, functional, and spatial information, amino acid conservation, physicochemical variation, residue mobility, and thermodynamic stability) indicates that this missense variant is not expected to disrupt TMEM43 protein function with a negative predictive value of 80%. In summary, the available evidence is currently insufficient to determine the role of this variant in disease. Therefore, it has been classified as a Variant of Uncertain Significance.

PreventionGenetics, part of Exact Sciences
Classification: Uncertain significance for TMEM43-related condition. Last evaluated: 2025-11-07. Review status: criteria provided, single submitter. Criteria: ACMG Guidelines, 2015. Collection method: clinical testing. Allele origin: germline.
Comment: The TMEM43 c.644A>C variant is predicted to result in the amino acid substitution p.His215Pro. To our knowledge, this variant has not been reported in the literature or in a large population database (gnomAD), indicating this variant is rare. At this time, the clinical significance of this variant is uncertain due to the absence of conclusive functional and genetic evidence.

Ambry Genetics
Classification: Uncertain significance for Cardiovascular phenotype. Last evaluated: 2025-10-15. Review status: criteria provided, single submitter. Criteria: Ambry Variant Classification Scheme 2023. Collection method: clinical testing. Allele origin: germline.

Victorian Clinical Genetics Services, Murdoch Childrens Research Institute
Classification: Uncertain significance for Arrhythmogenic right ventricular dysplasia 5. Last evaluated: 2025-07-31. Review status: criteria provided, single submitter. Criteria: ACMG Guidelines, 2015. Collection method: clinical testing. Allele origin: germline. Affected: yes.
Comment: This variant is classified as VUS-3B. Evidence in support of pathogenic classification: Variant is present in gnomAD <0.001 for a dominant condition (v4: 7 heterozygote(s), 0 homozygote(s)). Additional information: Variant is predicted to result in a missense amino acid change from histidine to proline; This variant is heterozygous; This gene is associated with autosomal dominant disease; Alternative amino acid change(s) at the same position are present in gnomAD (Highest allele count: v4: 16 heterozygote(s), 0 homozygote(s)); Previous evidence of pathogenicity for this variant is inconclusive. This variant has been classified as VUS by clinical laboratories in ClinVar, and reported in the literature in an individual with arrhythmogenic right ventricular cardiomyopathy (PMID: 35947370). In addition, this variant has been identified in an individual with ventricular tachycardia and ventricular fibrillation, and in an individual with dilated cardiomyopathy (VCGS cohort); No published segregation evidence has been identified for this variant; No published functional evidence has been identified for this variant; Other missense variants comparable to the one identified in this case have inconclusive previous evidence for pathogenicity. p.(His215Leu) and p.(His215Gln) have been classified as VUS by clinical laboratories in ClinVar. p.(His215Arg) has been reported in the literature in an individual with hypertrophic cardiomyopathy (PMID: 33954932); Variant is located in the annotated transmembrane protein 43 domain (DECIPHER); Missense variant with inconclusive in silico prediction and uninformative conservation; The mechanism of disease for this gene is not clearly established. Loss-of-function is a suspected mechanism (PMID: 25343256); Inheritance information for this variant is not currently available in this individual.

Color Diagnostics, LLC DBA Color Health
Classification: Likely benign for Cardiomyopathy. Last evaluated: 2025-06-12. Review status: criteria provided, single submitter. Criteria: ACMG Guidelines, 2015. Collection method: clinical testing. Allele origin: germline.

Blueprint Genetics
Classification: Likely benign. Last evaluated: 2024-10-10. Review status: criteria provided, single submitter. Criteria: ACMG Guidelines, 2015. Collection method: clinical testing. Allele origin: germline.

GeneDx
Classification: Uncertain significance. Last evaluated: 2024-04-23. Review status: criteria provided, single submitter. Criteria: GeneDx Variant Classification Process June 2021. Collection method: clinical testing. Allele origin: germline. Affected: yes.
Comment: Not observed at significant frequency in large population cohorts (gnomAD); In silico analysis indicates that this missense variant does not alter protein structure/function; Has not been previously published as pathogenic or benign to our knowledge

All of Us Research Program, National Institutes of Health
Classification: Uncertain significance for Arrhythmogenic right ventricular dysplasia 5. Last evaluated: 2024-02-05. Review status: criteria provided, single submitter. Criteria: ACMG Guidelines, 2015. Collection method: clinical testing. Allele origin: germline. Inheritance: Autosomal dominant inheritance. Observed: 2 variant alleles, 2 heterozygotes.
Comment: This missense variant replaces histidine with proline at codon 215 of the TMEM43 protein. Computational prediction suggests that this variant may not impact protein structure and function (internally defined REVEL score threshold <= 0.5, PMID: 27666373). To our knowledge, functional studies have not been reported for this variant. This variant has not been reported in individuals affected with cardiovascular disorders in the literature. This variant has not been identified in the general population by the Genome Aggregation Database (gnomAD). The available evidence is insufficient to determine the role of this variant in disease conclusively. Therefore, this variant is classified as a Variant of Uncertain Significance.

This study involves interpretation of variants in research participants for the purpose of population health screening. Participant phenotype was not available at the time of variant classification. Additional details can be found in publication PMID: 35346344, PMCID: PMC8962531

Fulgent Genetics
Classification: Uncertain significance for Arrhythmogenic right ventricular dysplasia 5; Emery-Dreifuss muscular dystrophy 7, autosomal dominant; Auditory neuropathy, autosomal dominant 3. Last evaluated: 2021-08-23. Review status: criteria provided, single submitter. Criteria: ACMG Guidelines, 2015. Collection method: clinical testing. Allele origin: unknown.

Revvity Omics, Revvity
Classification: Uncertain significance. Last evaluated: 2020-11-20. Review status: criteria provided, single submitter. Criteria: ACMG Guidelines, 2015. Collection method: clinical testing. Allele origin: germline.

ARUP Laboratories, Molecular Genetics and Genomics, ARUP Laboratories
Classification: Uncertain significance. Last evaluated: 2018-03-20. Review status: criteria provided, single submitter. Criteria: ARUP Molecular Germline Variant Investigation Process. Collection method: clinical testing. Allele origin: germline.
Comment: The TMEM43 c.644A>C; p.His215Pro variant (rs730880225, ClinVar variant ID 180542), to our knowledge, is not reported in the medical literature, gene specific variation databases, nor has it been previously identified by our laboratory. This variant is absent from the general population databases (1000 Genomes Project, Exome Variant Server, Genome Aggregation Database), indicating it is not a common polymorphism. The histidine at position 215 is highly conserved, considering 11 species, and computational analyses of the effects of the p.His215Pro variant on protein structure and function do not predict a deleterious effect (SIFT: tolerated, PolyPhen-2: benign). Based on the available information, the clinical significance of the p.His215Pro variant cannot be determined with certainty.

Literature cited by the submitters: PubMed 25343256 (cited by Victorian Clinical Genetics Services, Murdoch Childrens Research Institute); PubMed 35947370 (cited by Victorian Clinical Genetics Services, Murdoch Childrens Research Institute); PubMed 33954932 (cited by Victorian Clinical Genetics Services, Murdoch Childrens Research Institute).